The following is an entry in ClinVar:

NM_000059.4(BRCA2):c.3595G>A (p.Asp1199Asn)

Gene: BRCA2 (BRCA2 DNA repair associated; plus strand). Cytogenetic location: 13q13.1.
Variant type: single nucleotide variant.
Coding change: c.3595G>A on transcript NM_000059.4 (MANE Select); coding-DNA position 3595, G replaced by A.
Protein change: p.Asp1199Asn; replaces aspartic acid 1199 with asparagine.
Molecular consequence: missense variant.
Genome position (GRCh38, 1-based): chr13:32,337,950, G>A. VCF-style: chr13-32337950-G-A. GRCh37 (hg19) VCF-style: chr13-32912087-G-A.
Other names: p.Asp1199Asn; short protein forms D1199N.
Identifiers: ClinVar variation 409456 (VCV000409456.24), dbSNP rs1060502404, ClinGen allele CA16614292.

ClinVar aggregate classification (germline): Conflicting classifications of pathogenicity. Review status: criteria provided, conflicting classifications (1 of 4 stars). 10 submissions from 10 submitters: Uncertain significance (6); Likely benign (4). Last evaluated 2026-06-10.

Conditions:
BRCA2-related cancer predisposition. Identifiers: MedGen CN377758, MONDO:0700269.
Hereditary cancer-predisposing syndrome. Also called: Hereditary Cancer Syndrome; Neoplastic Syndromes, Hereditary; Hereditary neoplastic syndrome; Tumor predisposition. Identifiers: Orphanet 140162, MedGen C0027672, MeSH D009386, MONDO:0015356.
Breast-ovarian cancer, familial, susceptibility to, 2 (BROVCA2). Also called: BRCA2 Hereditary Breast and Ovarian Cancer. Identifiers: Orphanet 145, MedGen C2675520, MONDO:0012933, OMIM 612555. Disease mechanism: loss of function.
Hereditary breast ovarian cancer syndrome. Also called: Hereditary breast and ovarian cancer syndrome; Breast and ovarian cancer; Hereditary breast and ovarian cancer; Hereditary breast and ovarian cancer syndrome (HBOC); BRCA1- and BRCA2-Associated Hereditary Breast and Ovarian Cancer; Hereditary breast and/or ovarian cancer syndrome. Identifiers: Orphanet 145, MedGen C0677776, MeSH D061325, MONDO:0003582. Disease mechanism: loss of function.

Allele frequency attached by ClinVar (database versions not stated): gnomAD exomes 0.00003.
gnomAD v4.1: 23 of 1,614,024 alleles (0.0014%); highest among the groups gnomAD compares: Non-Finnish European, 0.0019%; no homozygotes.

Submissions (10):

Myriad Genetics, Inc.
Classification: Likely benign for Breast-ovarian cancer, familial, susceptibility to, 2. Last evaluated: 2026-06-10. Review status: criteria provided, single submitter. Criteria: Myriad Autosomal Dominant, Autosomal Recessive and X-Linked Classification Criteria (2023). Collection method: clinical testing. Allele origin: unknown.
Comment: This variant is considered likely benign. This variant is strongly associated with less severe personal and family histories of cancer, typical for individuals without pathogenic variants in this gene [PMID: 25085752].

Color Diagnostics, LLC DBA Color Health
Classification: Uncertain significance for Hereditary cancer-predisposing syndrome. Last evaluated: 2024-06-24. Review status: criteria provided, single submitter. Criteria: ACMG Guidelines, 2015. Collection method: clinical testing. Allele origin: germline.
Comment: This missense variant replaces aspartic acid with asparagine at codon 1199 of the BRCA2 protein. This variant is also known as 3823G>A in the literature. Computational prediction suggests that this variant may not impact protein structure and function (internally defined REVEL score threshold <= 0.5, PMID: 27666373). To our knowledge, functional studies have not been reported for this variant. This variant has been reported in an individual affected with colorectal cancer (PMID: 28135145). This variant has not been identified in the general population by the Genome Aggregation Database (gnomAD). The available evidence is insufficient to determine the role of this variant in disease conclusively. Therefore, this variant is classified as a Variant of Uncertain Significance.

Labcorp Genetics (formerly Invitae), Labcorp
Classification: Uncertain significance for Hereditary breast ovarian cancer syndrome. Last evaluated: 2024-05-02. Review status: criteria provided, single submitter. Criteria: Invitae Variant Classification Sherloc (09022015). Collection method: clinical testing. Allele origin: germline.
Comment: This sequence change replaces aspartic acid, which is acidic and polar, with asparagine, which is neutral and polar, at codon 1199 of the BRCA2 protein (p.Asp1199Asn). This variant is not present in population databases (gnomAD no frequency). This missense change has been observed in individual(s) with colorectal cancer (PMID: 28135145). ClinVar contains an entry for this variant (Variation ID: 409456). Advanced modeling of protein sequence and biophysical properties (such as structural, functional, and spatial information, amino acid conservation, physicochemical variation, residue mobility, and thermodynamic stability) performed at Invitae indicates that this missense variant is not expected to disrupt BRCA2 protein function with a negative predictive value of 95%. In summary, the available evidence is currently insufficient to determine the role of this variant in disease. Therefore, it has been classified as a Variant of Uncertain Significance.

Quest Diagnostics Nichols Institute San Juan Capistrano
Classification: Uncertain significance. Last evaluated: 2024-04-30. Review status: criteria provided, single submitter. Criteria: Quest Diagnostics criteria. Collection method: clinical testing. Allele origin: unknown.
Comment: The BRCA2 c.3595G>A (p.Asp1199Asn) variant has been reported in the published literature in an individual with colorectal cancer (PMID: 28135145 (2017)), and described to be located in a region of the BRCA2 gene that is tolerant to missense sequence changes (PMID: 31911673 (2020)). This variant has not been reported in large, multi-ethnic general populations (Genome Aggregation Database). Analysis of this variant using bioinformatics tools for the prediction of the effect of amino acid changes on protein structure and function yielded predictions that this variant is benign. Based on the available information, we are unable to determine the clinical significance of this variant.

All of Us Research Program, National Institutes of Health
Classification: Uncertain significance for BRCA2-related cancer predisposition. Last evaluated: 2024-03-05. Review status: criteria provided, single submitter. Criteria: ACMG Guidelines, 2015. Collection method: clinical testing. Allele origin: germline. Inheritance: Autosomal dominant inheritance. Observed: 2 variant alleles, 2 heterozygotes.
Comment: This missense variant replaces aspartic acid with asparagine at codon 1199 of the BRCA2 protein. This variant is also known as 3823G>A in the literature. Computational prediction suggests that this variant may not impact protein structure and function (internally defined REVEL score threshold <= 0.5, PMID: 27666373). To our knowledge, functional studies have not been reported for this variant. This variant has been reported in an individual affected with colorectal cancer (PMID: 28135145). This variant has not been identified in the general population by the Genome Aggregation Database (gnomAD). The available evidence is insufficient to determine the role of this variant in disease conclusively. Therefore, this variant is classified as a Variant of Uncertain Significance.

This study involves interpretation of variants in research participants for the purpose of population health screening. Participant phenotype was not available at the time of variant classification. Additional details can be found in publication PMID: 35346344, PMCID: PMC8962531

Mayo Clinic Laboratories, Mayo Clinic
Classification: Uncertain significance. Last evaluated: 2023-08-08. Review status: criteria provided, single submitter. Criteria: ACMG Guidelines, 2015. Collection method: clinical testing. Allele origin: germline. Observed: 1 variant allele.
Comment: BP4, PM2_moderate

University of Washington Department of Laboratory Medicine, University of Washington
Classification: Likely benign for Hereditary cancer-predisposing syndrome. Last evaluated: 2023-03-23. Review status: criteria provided, single submitter. Criteria: Dines et al. (Genet Med. 2020). Collection method: curation. Allele origin: germline.
Comment: Missense variant in a coldspot region where missense variants are very unlikely to be pathogenic (PMID:31911673).

BRCA2 exon 11 coldspot. Reclassification based on statistical prior probability.

Genetics and Molecular Pathology, SA Pathology
Classification: Likely benign for Breast-ovarian cancer, familial, susceptibility to, 2. Last evaluated: 2020-03-02. Review status: criteria provided, single submitter. Criteria: ACMG Guidelines, 2015. Collection method: clinical testing. Allele origin: germline. Affected: yes.

Ambry Genetics
Classification: Likely benign for Hereditary cancer-predisposing syndrome. Last evaluated: 2019-12-26. Review status: criteria provided, single submitter. Criteria: Ambry Variant Classification Scheme 2023. Collection method: clinical testing. Allele origin: germline.

GeneDx
Classification: Uncertain significance. Last evaluated: 2015-07-30. Review status: criteria provided, single submitter. Criteria: GeneDx Variant Classification (06012015). Collection method: clinical testing. Allele origin: germline. Affected: yes.
Comment: This variant is denoted BRCA2 c.3595G>A at the cDNA level, p.Asp1199Asn (D1199N) at the protein level, and results in the change of an Aspartic Acid to an Asparagine (GAC>AAC). Using alternate nomenclature, this variant would be defined as BRCA2 3823G>A. This variant has not, to our knowledge, been published in the literature as pathogenic or benign. BRCA2 Asp1199Asn was not observed in approximately 6,500 individuals of European and African American ancestry in the NHLBI Exome Sequencing Project, indicating it is not a common benign variant in these populations. Since Aspartic Acid and Asparagine differ in some properties, this is considered a semi-conservative amino acid substitution. BRCA2 Asp1199Asn occurs at a position that is not conserved and is not located in a known functional domain (UniProt). In silico analyses predict that this variant is unlikely to alter protein structure or function. Based on currently available information, it is unclear whether BRCA2 Asp1199Asn is pathogenic or benign. We consider it to be a variant of uncertain significance.

Literature cited by the submitters: PubMed 25085752 (cited by Myriad Genetics, Inc.); PubMed 28135145 (cited by 6 submitters); PubMed 31911673 (cited by Quest Diagnostics Nichols Institute San Juan Capistrano).